The following is an entry in ClinVar:

ClinVar aggregate classification (germline): Uncertain significance. Review status: criteria provided, multiple submitters, no conflicts (2 of 4 stars). 3 submissions from 3 submitters: Uncertain significance (3). Last evaluated 2025-03-18.

Conditions:
FLI1-related disorder. Also called: FLI1-related condition.

Allele frequency attached by ClinVar (database versions not stated): TOPMed below 0.00001; ExAC 0.00001; gnomAD exomes 0.00001 and 0.00003; gnomAD 0.00002; ESP Exome Variant Server 0.00008.
gnomAD v4.1: 55 of 1,613,334 alleles (0.0034%); highest among the groups gnomAD compares: Non-Finnish European, 0.004%; no homozygotes.

Submissions (3):

PreventionGenetics, part of Exact Sciences
Classification: Uncertain significance for FLI1-related condition. Last evaluated: 2025-03-18. Review status: criteria provided, single submitter. Criteria: ACMG Guidelines, 2015. Collection method: clinical testing. Allele origin: germline.
Comment: The FLI1 c.142A>T variant is predicted to result in the amino acid substitution p.Ile48Phe. To our knowledge, this variant has not been reported in the literature. This variant is reported in 0.0039% of alleles in individuals of European (Non-Finnish) descent in gnomAD. At this time, the clinical significance of this variant is uncertain due to the absence of conclusive functional and genetic evidence.

Labcorp Genetics (formerly Invitae), Labcorp
Classification: Uncertain significance. Last evaluated: 2024-06-25. Review status: criteria provided, single submitter. Criteria: Invitae Variant Classification Sherloc (09022015). Collection method: clinical testing. Allele origin: germline.
Comment: This sequence change replaces isoleucine, which is neutral and non-polar, with phenylalanine, which is neutral and non-polar, at codon 48 of the FLI1 protein (p.Ile48Phe). This variant is present in population databases (rs368549466, gnomAD 0.003%). This variant has not been reported in the literature in individuals affected with FLI1-related conditions. ClinVar contains an entry for this variant (Variation ID: 1304260). Advanced modeling of protein sequence and biophysical properties (such as structural, functional, and spatial information, amino acid conservation, physicochemical variation, residue mobility, and thermodynamic stability) performed at Invitae indicates that this missense variant is not expected to disrupt FLI1 protein function with a negative predictive value of 80%. In summary, the available evidence is currently insufficient to determine the role of this variant in disease. Therefore, it has been classified as a Variant of Uncertain Significance.

GeneDx
Classification: Uncertain significance. Last evaluated: 2019-05-28. Review status: criteria provided, single submitter. Criteria: GeneDx Variant Classification Process June 2021. Collection method: clinical testing. Allele origin: germline. Affected: yes.
Comment: In silico analysis, which includes protein predictors and evolutionary conservation, supports that this variant does not alter protein structure/function; Has not been previously published as pathogenic or benign to our knowledge

NM_002017.5(FLI1):c.142A>T (p.Ile48Phe)

Gene: FLI1 (Fli-1 proto-oncogene, ETS transcription factor; plus strand). Cytogenetic location: 11q24.3.
Variant type: single nucleotide variant.
Coding change: c.142A>T on transcript NM_002017.5 (MANE Select); coding-DNA position 142, A replaced by T.
Protein change: p.Ile48Phe; replaces isoleucine 48 with phenylalanine.
Molecular consequence: missense variant. On other transcripts: 5 prime UTR variant (2).
Genome position (GRCh38, 1-based): chr11:128,758,238, A>T. VCF-style: chr11-128758238-A-T. GRCh37 (hg19) VCF-style: chr11-128628133-A-T.
Other names: c.43A>T, p.Ile15Phe (NM_001167681.3); c.-228A>T (NM_001271010.2); c.-79A>T (NM_001271012.2); short protein forms I15F, I48F.
Identifiers: ClinVar variation 1304260 (VCV001304260.5), dbSNP rs368549466, ClinGen allele CA6356945.